The following is an entry in ClinVar:

ClinVar aggregate classification (germline): Uncertain significance. Review status: criteria provided, multiple submitters, no conflicts (2 of 4 stars). 2 submissions from 2 submitters: Uncertain significance (2). Last evaluated 2025-10-28.

Conditions:
Upshaw-Schulman syndrome (TTP). Also called: THROMBOTIC THROMBOCYTOPENIC PURPURA, HEREDITARY; Congenital thrombotic thrombocytopenic purpura. Identifiers: Orphanet 93583, MedGen C1268935, MONDO:0010122, OMIM 274150.

Submissions (2):

Women's Health and Genetics/Laboratory Corporation of America, LabCorp
Classification: Uncertain significance. Last evaluated: 2025-10-28. Review status: criteria provided, single submitter. Criteria: LabCorp Variant Classification Summary - May 2015. Collection method: clinical testing. Allele origin: germline.
Comment: Variant summary: ADAMTS13 c.649G>T (p.Asp217Tyr) results in a non-conservative amino acid change in the encoded protein sequence. Algorithms developed to predict the effect of missense changes on protein structure and function all suggest that this variant is likely to be disruptive. The variant was absent in 244362 control chromosomes. The available data on variant occurrences in the general population are insufficient to allow any conclusion about variant significance. To our knowledge, no occurrence of c.649G>T in individuals affected with ADAMTS13-related conditions and no experimental evidence demonstrating its impact on protein function have been reported. ClinVar contains an entry for this variant (Variation ID: 3596624). Based on the evidence outlined above, the variant was classified as uncertain significance.

Fulgent Genetics
Classification: Uncertain significance for Upshaw-Schulman syndrome. Last evaluated: 2024-03-07. Review status: criteria provided, single submitter. Criteria: ACMG Guidelines, 2015. Collection method: clinical testing. Allele origin: germline.

NM_139027.6(ADAMTS13):c.649G>T (p.Asp217Tyr)

Gene: ADAMTS13 (ADAM metallopeptidase with thrombospondin type 1 motif 13; plus strand). Cytogenetic location: 9q34.2.
Variant type: single nucleotide variant.
Coding change: c.649G>T on transcript NM_139027.6 (MANE Select); coding-DNA position 649, G replaced by T.
Protein change: p.Asp217Tyr; replaces aspartic acid 217 with tyrosine.
Molecular consequence: missense variant. On other transcripts: non-coding transcript variant (1).
Genome position (GRCh38, 1-based): chr9:133,426,308, G>T. VCF-style: chr9-133426308-G-T. GRCh37 (hg19) VCF-style: chr9-136291428-G-T.
Other names: c.649G>T, p.Asp217Tyr (NM_139025.5, NM_139026.6); short protein forms D217Y.
Identifiers: ClinVar variation 3596624 (VCV003596624.2).